The following is an entry in ClinVar:

ClinVar aggregate classification (germline): Uncertain significance (1 of 4 stars; one submission).

Conditions:
Amyotrophic lateral sclerosis type 8 (ALS8). Identifiers: Orphanet 803, MedGen C1837728, MONDO:0012077, OMIM 608627.
Adult-onset proximal spinal muscular atrophy, autosomal dominant. Also called: Spinal muscular atrophy, late-onset, finkel type; FINKEL LATE-ADULT TYPE SMA. Identifiers: Orphanet 209335, MedGen C1854058, MONDO:0008453, OMIM 182980.

Allele frequency attached by ClinVar (database versions not stated): gnomAD exomes below 0.00001.
gnomAD v4.1: 3 of 1,614,146 alleles (0.00019%); highest among the groups gnomAD compares: Non-Finnish European, 0.00025%; no homozygotes.

Submission:

Labcorp Genetics (formerly Invitae), Labcorp
Classification: Uncertain significance for Adult-onset proximal spinal muscular atrophy, autosomal dominant; Amyotrophic lateral sclerosis type 8. Last evaluated: 2022-11-30. Review status: criteria provided, single submitter. Criteria: Invitae Variant Classification Sherloc (09022015). Collection method: clinical testing. Allele origin: germline.
Comment: This variant is not present in population databases (gnomAD no frequency). In summary, the available evidence is currently insufficient to determine the role of this variant in disease. Therefore, it has been classified as a Variant of Uncertain Significance. Advanced modeling of protein sequence and biophysical properties (such as structural, functional, and spatial information, amino acid conservation, physicochemical variation, residue mobility, and thermodynamic stability) performed at Invitae indicates that this missense variant is not expected to disrupt VAPB protein function. This variant has not been reported in the literature in individuals affected with VAPB-related conditions. This sequence change replaces alanine, which is neutral and non-polar, with valine, which is neutral and non-polar, at codon 63 of the VAPB protein (p.Ala63Val).

NM_004738.5(VAPB):c.188C>T (p.Ala63Val)

Gene: VAPB (VAMP associated protein B and C; plus strand). Cytogenetic location: 20q13.32.
Variant type: single nucleotide variant.
Coding change: c.188C>T on transcript NM_004738.5 (MANE Select); coding-DNA position 188, C replaced by T.
Protein change: p.Ala63Val; replaces alanine 63 with valine.
Molecular consequence: missense variant. On other transcripts: non-coding transcript variant (1).
Genome position (GRCh38, 1-based): chr20:58,418,340, C>T. VCF-style: chr20-58418340-C-T. GRCh37 (hg19) VCF-style: chr20-56993396-C-T.
Other names: c.188C>T, p.Ala63Val (NM_001195677.2); short protein forms A63V.
Identifiers: ClinVar variation 2938861 (VCV002938861.3), dbSNP rs2516033090, ClinGen allele CA409442757.